The following is an entry in ClinVar:

ClinVar aggregate classification (germline): Conflicting classifications of pathogenicity. Review status: criteria provided, conflicting classifications (1 of 4 stars). 2 submissions from 2 submitters: Likely pathogenic (1); Uncertain significance (1). Last evaluated 2026-02-08.

Conditions:
Early-infantile DEE. Also called: Early infantile epileptic encephalopathy; Ohtahara syndrome; Early infantile epileptic encephalopathy with suppression bursts. Identifiers: Orphanet 1934, MedGen C0393706, MONDO:0800491.

gnomAD v4.1: 4 of 1,614,138 alleles (0.00025%); highest among the groups gnomAD compares: Admixed American, 0.0017%; no homozygotes.

Submissions (2):

GeneDx
Classification: Uncertain significance. Last evaluated: 2026-02-08. Review status: criteria provided, single submitter. Criteria: GeneDx Variant Classification Process June 2021. Collection method: clinical testing. Allele origin: germline.
Comment: Not observed at significant frequency in large population cohorts (gnomAD); In silico analysis supports that this missense variant has a deleterious effect on protein structure/function; This substitution is predicted to be within the N-terminal cytoplasmic domain; Has not been previously published as pathogenic or benign to our knowledge

Labcorp Genetics (formerly Invitae), Labcorp
Classification: Likely pathogenic for Early-infantile DEE. Last evaluated: 2024-06-04. Review status: criteria provided, single submitter. Criteria: Invitae Variant Classification Sherloc (09022015). Collection method: clinical testing. Allele origin: germline.
Comment: This sequence change replaces arginine, which is basic and polar, with leucine, which is neutral and non-polar, at codon 28 of the SCN1A protein (p.Arg28Leu). This variant is not present in population databases (gnomAD no frequency). This variant has not been reported in the literature in individuals affected with SCN1A-related conditions. Advanced modeling of protein sequence and biophysical properties (such as structural, functional, and spatial information, amino acid conservation, physicochemical variation, residue mobility, and thermodynamic stability) performed at Invitae indicates that this missense variant is expected to disrupt SCN1A protein function with a positive predictive value of 95%. This variant disrupts the p.Arg28 amino acid residue in SCN1A. Other variant(s) that disrupt this residue have been determined to be pathogenic (PMID: 18804930, 30619928; Invitae). This suggests that this residue is clinically significant, and that variants that disrupt this residue are likely to be disease-causing. In summary, the currently available evidence indicates that the variant is pathogenic, but additional data are needed to prove that conclusively. Therefore, this variant has been classified as Likely Pathogenic.

Literature cited by the submitters: PubMed 18804930 (cited by Labcorp Genetics (formerly Invitae), Labcorp); PubMed 30619928 (cited by Labcorp Genetics (formerly Invitae), Labcorp).

NM_001165963.4(SCN1A):c.83G>T (p.Arg28Leu)

Gene: SCN1A (sodium voltage-gated channel alpha subunit 1; minus strand). Cytogenetic location: 2q24.3.
Variant type: single nucleotide variant.
Coding change: c.83G>T on transcript NM_001165963.4 (MANE Select); coding-DNA position 83, G replaced by T.
Protein change: p.Arg28Leu; replaces arginine 28 with leucine.
Molecular consequence: missense variant. On other transcripts: 5 prime UTR variant (1), non-coding transcript variant (1).
Genome position (GRCh38, 1-based): chr2:166,073,539, C>A on the plus strand (G>T on the coding strand, the complement: SCN1A is on the minus strand). VCF-style: chr2-166073539-C-A. GRCh37 (hg19) VCF-style: chr2-166930049-C-A.
Other names: c.83G>T, p.Arg28Leu (NM_001165964.3, NM_001202435.3, NM_001353948.2 and 10 more transcripts); c.-2343G>T (NM_001353961.2); c.83G>T (NM_001165963.1); short protein forms R28L.
Identifiers: ClinVar variation 3681577 (VCV003681577.3).